The following is an entry in ClinVar:

ClinVar aggregate classification (germline): Likely pathogenic (1 of 4 stars; one submission).

Submission:

ARUP Laboratories, Molecular Genetics and Genomics, ARUP Laboratories
Classification: Likely pathogenic. Last evaluated: 2023-10-17. Review status: criteria provided, single submitter. Criteria: ARUP Molecular Germline Variant Investigation Process 2024. Collection method: clinical testing. Allele origin: germline.
Comment: The VWF c.2646dup; p.Tyr883IlefsTer19 variant, to our knowledge, is not reported in the medical literature or gene specific databases. This variant is also absent from the Genome Aggregation Database, indicating it is not a common polymorphism. This variant causes a frameshift by inserting a single nucleotide, so it is predicted to result in a truncated protein or mRNA subject to nonsense-mediated decay. Based on available information, this variant is considered to be likely pathogenic.

NM_000552.5(VWF):c.2646dup (p.Tyr883fs)

Gene: VWF (von Willebrand factor; minus strand). Cytogenetic location: 12p13.31.
Variant type: Duplication.
Coding change: c.2646dup on transcript NM_000552.5 (MANE Select); coding-DNA position 2646, one base duplicated (A; older notation c.2646dupA).
Protein change: p.Tyr883fs; shifts the reading frame from tyrosine 883.
Molecular consequence: frameshift variant.
Genome position (GRCh38, 1-based): chr12:6,034,727, T duplicated on the plus strand (A on the coding strand, the reverse complement: VWF is on the minus strand); the first of 3 consecutive T bases (chr12:6,034,727-6,034,729); duplicating any one gives the same sequence. VCF-style (leftmost placement, unchanged base first): chr12-6034726-A-AT. GRCh37 (hg19) VCF-style: chr12-6143892-A-AT.
Other names: short protein forms Y883fs.
Identifiers: ClinVar variation 2921132 (VCV002921132.1), dbSNP rs2497561240, ClinGen allele CA2739271829.